The following is an entry in ClinVar:

NM_000038.6(APC):c.7326T>A (p.Thr2442=)

Gene: APC (APC regulator of Wnt signaling pathway; plus strand). Cytogenetic location: 5q22.2.
Variant type: single nucleotide variant.
Coding change: c.7326T>A on transcript NM_000038.6 (MANE Select); coding-DNA position 7326, T replaced by A.
Protein change: p.Thr2442=; no amino-acid change (threonine 2442 retained).
Molecular consequence: synonymous variant. On other transcripts: non-coding transcript variant (2).
Genome position (GRCh38, 1-based): chr5:112,842,920, T>A. VCF-style: chr5-112842920-T-A. GRCh37 (hg19) VCF-style: chr5-112178617-T-A.
Other names: c.7326T>A, p.Thr2442= (NM_001127510.3, NM_001354895.2, NM_001407450.1); c.7272T>A, p.Thr2424= (NM_001127511.3); c.7380T>A, p.Thr2460= (NM_001354896.2, NM_001407447.1, NM_001407448.1 and 1 more transcripts); c.7356T>A, p.Thr2452= (NM_001354897.2); c.7251T>A, p.Thr2417= (NM_001354898.2); c.7242T>A, p.Thr2414= (NM_001354899.2); c.7203T>A, p.Thr2401= (NM_001354900.2); c.7149T>A, p.Thr2383= (NM_001354901.2, NM_001407453.1); and 11 more.
Identifiers: ClinVar variation 2089751 (VCV002089751.5), dbSNP rs1766448918, ClinGen allele CA446210264.

ClinVar aggregate classification (germline): Benign/Likely benign. Review status: criteria provided, multiple submitters, no conflicts (2 of 4 stars). 2 submissions from 2 submitters: Benign (1); Likely benign (1). Last evaluated 2025-09-10.

Conditions:
Familial adenomatous polyposis 1 (FAP1). Also called: POLYPOSIS, ADENOMATOUS INTESTINAL; FAMILIAL ADENOMATOUS POLYPOSIS 1, ATTENUATED. Identifiers: MedGen C2713442, MONDO:0021056, OMIM 175100. Disease mechanism: loss of function.

Submissions (2):

Labcorp Genetics (formerly Invitae), Labcorp
Classification: Likely benign for Familial adenomatous polyposis 1. Last evaluated: 2025-09-10. Review status: criteria provided, single submitter. Criteria: Invitae Variant Classification Sherloc (09022015). Collection method: clinical testing. Allele origin: germline.

Myriad Genetics, Inc.
Classification: Benign for Familial adenomatous polyposis 1. Last evaluated: 2024-04-09. Review status: criteria provided, single submitter. Criteria: Myriad Autosomal Dominant, Autosomal Recessive and X-Linked Classification Criteria (2023). Collection method: clinical testing. Allele origin: unknown.
Comment: This variant is considered benign. This variant is a silent/synonymous amino acid change and it is not expected to impact splicing.